The following is an entry in ClinVar:

ClinVar aggregate classification (germline): Uncertain significance. Review status: criteria provided, multiple submitters, no conflicts (2 of 4 stars). 2 submissions from 2 submitters: Uncertain significance (2). Last evaluated 2022-12-31.

Conditions:
Familial adenomatous polyposis 1 (FAP1). Also called: FAMILIAL ADENOMATOUS POLYPOSIS 1, ATTENUATED; POLYPOSIS, ADENOMATOUS INTESTINAL. Identifiers: MedGen C2713442, MONDO:0021056, OMIM 175100. Disease mechanism: loss of function.
Hereditary cancer-predisposing syndrome. Also called: Neoplastic Syndromes, Hereditary; Tumor predisposition; Hereditary Cancer Syndrome; Hereditary neoplastic syndrome. Identifiers: Orphanet 140162, MedGen C0027672, MeSH D009386, MONDO:0015356.

Submissions (2):

Labcorp Genetics (formerly Invitae), Labcorp
Classification: Uncertain significance for Familial adenomatous polyposis 1. Last evaluated: 2022-12-31. Review status: criteria provided, single submitter. Criteria: Invitae Variant Classification Sherloc (09022015). Collection method: clinical testing. Allele origin: germline.
Comment: In summary, the available evidence is currently insufficient to determine the role of this variant in disease. Therefore, it has been classified as a Variant of Uncertain Significance. Advanced modeling of protein sequence and biophysical properties (such as structural, functional, and spatial information, amino acid conservation, physicochemical variation, residue mobility, and thermodynamic stability) performed at Invitae indicates that this missense variant is not expected to disrupt APC protein function. This variant has not been reported in the literature in individuals affected with APC-related conditions. This variant is not present in population databases (gnomAD no frequency). This sequence change replaces leucine, which is neutral and non-polar, with phenylalanine, which is neutral and non-polar, at codon 1862 of the APC protein (p.Leu1862Phe).

Color Diagnostics, LLC DBA Color Health
Classification: Uncertain significance for Hereditary cancer-predisposing syndrome. Last evaluated: 2022-11-07. Review status: criteria provided, single submitter. Criteria: ACMG Guidelines, 2015. Collection method: clinical testing. Allele origin: germline.
Comment: This missense variant replaces leucine with phenylalanine at codon 1862 of the APC protein. Computational prediction is inconclusive regarding the impact of this variant on protein structure and function (internally defined REVEL score threshold 0.5 < inconclusive < 0.7, PMID: 27666373). To our knowledge, functional studies have not been reported for this variant. This variant has not been reported in individuals affected with APC-related disorders in the literature. This variant has not been identified in the general population by the Genome Aggregation Database (gnomAD). The available evidence is insufficient to determine the role of this variant in disease conclusively. Therefore, this variant is classified as a Variant of Uncertain Significance.

NM_000038.6(APC):c.5586G>T (p.Leu1862Phe)

Gene: APC (APC regulator of Wnt signaling pathway; plus strand). Cytogenetic location: 5q22.2.
Variant type: single nucleotide variant.
Coding change: c.5586G>T on transcript NM_000038.6 (MANE Select); coding-DNA position 5586, G replaced by T.
Protein change: p.Leu1862Phe; replaces leucine 1862 with phenylalanine.
Molecular consequence: missense variant. On other transcripts: non-coding transcript variant (2).
Genome position (GRCh38, 1-based): chr5:112,841,180, G>T. VCF-style: chr5-112841180-G-T. GRCh37 (hg19) VCF-style: chr5-112176877-G-T.
Other names: c.5586G>T, p.Leu1862Phe (NM_001127510.3, NM_001354895.2, NM_001407450.1); c.5532G>T, p.Leu1844Phe (NM_001127511.3); c.5640G>T, p.Leu1880Phe (NM_001354896.2, NM_001407447.1, NM_001407448.1 and 1 more transcripts); c.5616G>T, p.Leu1872Phe (NM_001354897.2); c.5511G>T, p.Leu1837Phe (NM_001354898.2); c.5502G>T, p.Leu1834Phe (NM_001354899.2); c.5463G>T, p.Leu1821Phe (NM_001354900.2); c.5409G>T, p.Leu1803Phe (NM_001354901.2, NM_001407453.1); and 11 more; short protein forms L1702F, L1771F, L1821F, L1872F, L1880F, L1736F, L1761F, L1852F.
Identifiers: ClinVar variation 2775287 (VCV002775287.5), dbSNP rs1765985732, ClinGen allele CA16033555.